The following is an entry in ClinVar:

NM_001330.5(CTF1):c.334A>C (p.Asn112His)

Genes: CTF1 (cardiotrophin 1; plus strand), LOC130058878 (ATAC-STARR-seq lymphoblastoid silent region 7400; plus strand). Cytogenetic location: 16p11.2.
Variant type: single nucleotide variant.
Coding change: c.334A>C on transcript NM_001330.5 (MANE Select); coding-DNA position 334, A replaced by C.
Protein change: p.Asn112His; replaces asparagine 112 with histidine.
Molecular consequence: missense variant. On other transcripts: non-coding transcript variant (1).
Genome position (GRCh38, 1-based): chr16:30,902,267, A>C. VCF-style: chr16-30902267-A-C. GRCh37 (hg19) VCF-style: chr16-30913588-A-C.
Other names: c.331A>C, p.Asn111His (NM_001142544.3); short protein forms N111H, N112H.
Identifiers: ClinVar variation 4786925 (VCV004786925.1).

ClinVar aggregate classification (germline): Uncertain significance (1 of 4 stars; one submission).

Submission:

Labcorp Genetics (formerly Invitae), Labcorp
Classification: Uncertain significance. Last evaluated: 2025-12-06. Review status: criteria provided, single submitter. Criteria: Invitae Variant Classification Sherloc (09022015). Collection method: clinical testing. Allele origin: germline.
Comment: This sequence change replaces asparagine, which is neutral and polar, with histidine, which is basic and polar, at codon 112 of the CTF1 protein (p.Asn112His). The frequency data for this variant in the population databases is considered unreliable, as metrics indicate insufficient coverage at this position in the gnomAD database. This variant has not been reported in the literature in individuals affected with CTF1-related conditions. An algorithm developed to predict the effect of missense changes on protein structure and function (PolyPhen-2) suggests that this variant is likely to be disruptive. In summary, the available evidence is currently insufficient to determine the role of this variant in disease. Therefore, it has been classified as a Variant of Uncertain Significance.